The following is an entry in ClinVar:

ClinVar aggregate classification (germline): Benign/Likely benign. Review status: criteria provided, multiple submitters, no conflicts (2 of 4 stars). 2 submissions from 2 submitters: Benign (1); Likely benign (1). Last evaluated 2025-12-22.

Allele frequency attached by ClinVar (database versions not stated): 1000 Genomes Project 30x 0.00083.
gnomAD v4.1: 113 of 1,202,452 alleles (0.0094%); highest among the groups gnomAD compares: African/African-American, 0.16%; no homozygotes.

Submissions (2):

Labcorp Genetics (formerly Invitae), Labcorp
Classification: Likely benign. Last evaluated: 2025-12-22. Review status: criteria provided, single submitter. Criteria: Invitae Variant Classification Sherloc (09022015). Collection method: clinical testing. Allele origin: germline.

Mayo Clinic Laboratories, Mayo Clinic
Classification: Benign. Last evaluated: 2025-09-09. Review status: criteria provided, single submitter. Criteria: ACMG Guidelines, 2015. Collection method: clinical testing. Allele origin: germline. Observed: 1 variant allele.
Comment: BS1, BS2, BP4_moderate

NM_017752.3(TBC1D8B):c.2920C>A (p.Leu974Ile)

Gene: TBC1D8B (TBC1 domain family member 8B; plus strand). Cytogenetic location: Xq22.3.
Variant type: single nucleotide variant.
Coding change: c.2920C>A on transcript NM_017752.3 (MANE Select); coding-DNA position 2920, C replaced by A.
Protein change: p.Leu974Ile; replaces leucine 974 with isoleucine.
Molecular consequence: missense variant.
Genome position (GRCh38, 1-based): chrX:106,870,766, C>A. VCF-style: chrX-106870766-C-A. GRCh37 (hg19) VCF-style: chrX-106113996-C-A.
Other names: p.Leu974Ile; short protein forms L974I.
Identifiers: ClinVar variation 2726741 (VCV002726741.4), dbSNP rs34694710, ClinGen allele CA10483466.